The following is an entry in ClinVar:

NM_018127.7(ELAC2):c.1049T>G (p.Val350Gly)

Gene: ELAC2 (elaC ribonuclease Z 2; minus strand). Cytogenetic location: 17p12.
Variant type: single nucleotide variant.
Coding change: c.1049T>G on transcript NM_018127.7 (MANE Select); coding-DNA position 1049, T replaced by G.
Protein change: p.Val350Gly; replaces valine 350 with glycine.
Molecular consequence: missense variant.
Genome position (GRCh38, 1-based): chr17:13,003,509, A>C on the plus strand (T>G on the coding strand, the complement: ELAC2 is on the minus strand). VCF-style: chr17-13003509-A-C. GRCh37 (hg19) VCF-style: chr17-12906826-A-C.
Other names: c.929T>G, p.Val310Gly (NM_001165962.2); c.1049T>G, p.Val350Gly (NM_173717.2); short protein forms V310G, V350G.
Identifiers: ClinVar variation 1419898 (VCV001419898.6), dbSNP rs2143612845, ClinGen allele CA398225781.

ClinVar aggregate classification (germline): Uncertain significance (1 of 4 stars; one submission).

Conditions:
Combined oxidative phosphorylation defect type 17. Also called: Combined oxidative phosphorylation deficiency 17. Identifiers: Orphanet 369913, MedGen C3809526, MONDO:0014190, OMIM 615440.

Submission:

Labcorp Genetics (formerly Invitae), Labcorp
Classification: Uncertain significance for Combined oxidative phosphorylation defect type 17. Last evaluated: 2021-08-27. Review status: criteria provided, single submitter. Criteria: Invitae Variant Classification Sherloc (09022015). Collection method: clinical testing. Allele origin: germline.
Comment: In summary, the available evidence is currently insufficient to determine the role of this variant in disease. Therefore, it has been classified as a Variant of Uncertain Significance. Algorithms developed to predict the effect of missense changes on protein structure and function (SIFT, PolyPhen-2, Align-GVGD) all suggest that this variant is likely to be tolerated. This variant has not been reported in the literature in individuals affected with ELAC2-related conditions. This variant is not present in population databases (ExAC no frequency). This sequence change replaces valine with glycine at codon 350 of the ELAC2 protein (p.Val350Gly). The valine residue is weakly conserved and there is a moderate physicochemical difference between valine and glycine.